The following is an entry in ClinVar:

NM_006014.5(LAGE3):c.52C>A (p.Arg18=)

Genes: LAGE3 (L antigen family member 3; minus strand), LOC130068876 (ATAC-STARR-seq lymphoblastoid silent region 21109; plus strand). Cytogenetic location: Xq28.
Variant type: single nucleotide variant.
Coding change: c.52C>A on transcript NM_006014.5 (MANE Select); coding-DNA position 52, C replaced by A.
Protein change: p.Arg18=; no amino-acid change (arginine 18 retained).
Molecular consequence: synonymous variant.
Genome position (GRCh38, 1-based): chrX:154,478,864, G>T on the plus strand (C>A on the coding strand, the complement: LAGE3 is on the minus strand). VCF-style: chrX-154478864-G-T. GRCh37 (hg19) VCF-style: chrX-153707203-G-T.
Identifiers: ClinVar variation 3058093 (VCV003058093.2), dbSNP rs1297949332, ClinGen allele CA519283946.

ClinVar aggregate classification (germline): Likely benign (0 of 4 stars; one submission).

Conditions:
LAGE3-related disorder. Also called: LAGE3-related condition.

Submission:

PreventionGenetics, part of Exact Sciences
Classification: Likely benign for LAGE3-related condition. Last evaluated: 2021-02-18. Review status: no assertion criteria provided. Collection method: clinical testing. Allele origin: germline.
Comment: This variant is classified as likely benign based on ACMG/AMP sequence variant interpretation guidelines (Richards et al. 2015 PMID: 25741868, with internal and published modifications).